The following is an entry in ClinVar:

NM_003119.4(SPG7):c.2293G>C (p.Asp765His)

Gene: SPG7 (SPG7 matrix AAA peptidase subunit, paraplegin; plus strand). Cytogenetic location: 16q24.3.
Variant type: single nucleotide variant.
Coding change: c.2293G>C on transcript NM_003119.4 (MANE Select); coding-DNA position 2293, G replaced by C.
Protein change: p.Asp765His; replaces aspartic acid 765 with histidine.
Molecular consequence: missense variant. On other transcripts: 3 prime UTR variant (1).
Genome position (GRCh38, 1-based): chr16:89,556,998, G>C. VCF-style: chr16-89556998-G-C. GRCh37 (hg19) VCF-style: chr16-89623406-G-C.
Other names: c.*71G>C (NM_001363850.1); short protein forms D765H.
Identifiers: ClinVar variation 3685097 (VCV003685097.2).

ClinVar aggregate classification (germline): Uncertain significance (1 of 4 stars; one submission).

Conditions:
Hereditary spastic paraplegia 7 (SPG7). Also called: SPASTIC PARAPLEGIA 7, AUTOSOMAL RECESSIVE, WITH OR WITHOUT CEREBELLAR ATAXIA; SPG7-related neurologic disorder; Spastic paraplegia 7; Hereditary spastic paraplegia Paraplegin type; Autosomal recessive spastic paraplegia type 7. Identifiers: Orphanet 99013, MedGen C1846564, MONDO:0011803, OMIM 607259.

Submission:

Labcorp Genetics (formerly Invitae), Labcorp
Classification: Uncertain significance for Hereditary spastic paraplegia 7. Last evaluated: 2024-04-29. Review status: criteria provided, single submitter. Criteria: Invitae Variant Classification Sherloc (09022015). Collection method: clinical testing. Allele origin: germline.
Comment: This sequence change replaces aspartic acid, which is acidic and polar, with histidine, which is basic and polar, at codon 765 of the SPG7 protein (p.Asp765His). This variant is not present in population databases (gnomAD no frequency). This variant has not been reported in the literature in individuals affected with SPG7-related conditions. Advanced modeling of protein sequence and biophysical properties (such as structural, functional, and spatial information, amino acid conservation, physicochemical variation, residue mobility, and thermodynamic stability) performed at Invitae indicates that this missense variant is not expected to disrupt SPG7 protein function with a negative predictive value of 80%. In summary, the available evidence is currently insufficient to determine the role of this variant in disease. Therefore, it has been classified as a Variant of Uncertain Significance.